The following is an entry in ClinVar:

NM_030665.4(RAI1):c.2792_2793del (p.Thr931fs)

Gene: RAI1 (retinoic acid induced 1; plus strand). Cytogenetic location: 17p11.2.
Variant type: Deletion.
Coding change: c.2792_2793del on transcript NM_030665.4 (MANE Select); coding-DNA positions 2792 to 2793, 2 bases deleted (CA; older notation c.2792_2793delCA).
Protein change: p.Thr931fs; shifts the reading frame from threonine 931.
Molecular consequence: frameshift variant.
Genome position (GRCh38, 1-based): chr17:17,795,740-17,795,741, CA deleted; deleting any 2 consecutive bases within chr17:17,795,739-17,795,741 gives the same sequence; the c. name uses the placement nearest the transcript's 3' end. VCF-style (leftmost placement, unchanged base first): chr17-17795738-TAC-T. GRCh37 (hg19) VCF-style: chr17-17699052-TAC-T.
Other names: c.2792_2793del (NM_030665.3); short protein forms T931fs.
Identifiers: ClinVar variation 4795170 (VCV004795170.1).

ClinVar aggregate classification (germline): Likely pathogenic (1 of 4 stars; one submission).

Conditions:
Smith-Magenis syndrome (SMS). Also called: CHROMOSOME 17p11.2 DELETION SYNDROME. Identifiers: Orphanet 819, MedGen C0795864, MONDO:0008434, OMIM 182290.

Submission:

Laboratorio de Biologia Molecular/Medicina Genomica - IFF/Fiocruz, Instituto Fernandes Figueira, Fundacao Oswaldo Cruz
Classification: Likely pathogenic for Smith-Magenis syndrome. Last evaluated: 2025-09-01. Review status: criteria provided, single submitter. Criteria: ACMG Guidelines, 2015. Collection method: clinical testing. Allele origin: germline. Affected: yes. Observed: 1 variant allele.
Comment: Variant: c.2792_2793delCA (p.Thr931Serfs*12) in exon 3 of the RAI1 gene. Protein effect: Frameshift variant predicted to undergo NMD in a gene where LoF is a known mechanism of disease. Population database (gnomAD): Absent. ACMG/AMP criteria applied: PVS1, PM2_Supporting.